The following is an entry in ClinVar:

ClinVar aggregate classification (germline): Uncertain significance. Review status: criteria provided, multiple submitters, no conflicts (2 of 4 stars). 2 submissions from 2 submitters: Uncertain significance (2). Last evaluated 2025-01-08.

Conditions:
Medulloblastoma (MDB). Also called: MEDULLOBLASTOMA PREDISPOSITION SYNDROME; Medulloblastoma, somatic. Identifiers: Orphanet 616, MedGen C0025149, MeSH D008527, MONDO:0007959, OMIM 155255, HP:0002885.
Gorlin syndrome. Also called: Nevoid Basal Cell Carcinoma Syndrome; Basal cell nevus syndrome. Identifiers: Orphanet 377, MedGen C0004779, MONDO:0007187.
Hereditary cancer-predisposing syndrome. Also called: Hereditary neoplastic syndrome; Neoplastic Syndromes, Hereditary; Tumor predisposition; Hereditary Cancer Syndrome. Identifiers: Orphanet 140162, MedGen C0027672, MeSH D009386, MONDO:0015356.

Allele frequency attached by ClinVar (database versions not stated): TOPMed 0.00001.
gnomAD v4.1: 2 of 1,552,572 alleles (0.00013%); highest among the groups gnomAD compares: African/African-American, 0.0027%; no homozygotes.

Submissions (2):

Labcorp Genetics (formerly Invitae), Labcorp
Classification: Uncertain significance for Gorlin syndrome; Medulloblastoma. Last evaluated: 2025-01-08. Review status: criteria provided, single submitter. Criteria: Invitae Variant Classification Sherloc (09022015). Collection method: clinical testing. Allele origin: germline.
Comment: This sequence change replaces proline, which is neutral and non-polar, with threonine, which is neutral and polar, at codon 31 of the SUFU protein (p.Pro31Thr). This variant is not present in population databases (gnomAD no frequency). This variant has not been reported in the literature in individuals affected with SUFU-related conditions. ClinVar contains an entry for this variant (Variation ID: 1040357). Invitae Evidence Modeling of protein sequence and biophysical properties (such as structural, functional, and spatial information, amino acid conservation, physicochemical variation, residue mobility, and thermodynamic stability) has been performed for this missense variant. However, the output from this modeling did not meet the statistical confidence thresholds required to predict the impact of this variant on SUFU protein function. In summary, the available evidence is currently insufficient to determine the role of this variant in disease. Therefore, it has been classified as a Variant of Uncertain Significance.

Ambry Genetics
Classification: Uncertain significance for Hereditary cancer-predisposing syndrome. Last evaluated: 2023-12-27. Review status: criteria provided, single submitter. Criteria: Ambry Variant Classification Scheme 2023. Collection method: clinical testing. Allele origin: germline.
Comment: The p.P31T variant (also known as c.91C>A), located in coding exon 1 of the SUFU gene, results from a C to A substitution at nucleotide position 91. The proline at codon 31 is replaced by threonine, an amino acid with highly similar properties. This amino acid position is conserved. In addition, the in silico prediction for this alteration is inconclusive. Since supporting evidence is limited at this time, the clinical significance of this alteration remains unclear.

NM_016169.4(SUFU):c.91C>A (p.Pro31Thr)

Genes: SUFU (SUFU negative regulator of hedgehog signaling; plus strand), LOC130004614 (ATAC-STARR-seq lymphoblastoid silent region 2764; plus strand). Cytogenetic location: 10q24.32.
Variant type: single nucleotide variant.
Coding change: c.91C>A on transcript NM_016169.4 (MANE Select); coding-DNA position 91, C replaced by A.
Protein change: p.Pro31Thr; replaces proline 31 with threonine.
Molecular consequence: missense variant.
Genome position (GRCh38, 1-based): chr10:102,504,243, C>A. VCF-style: chr10-102504243-C-A. GRCh37 (hg19) VCF-style: chr10-104264000-C-A.
Other names: c.91C>A (NM_016169.3); c.91C>A, p.Pro31Thr (NM_001178133.2); short protein forms P31T.
Identifiers: ClinVar variation 1040357 (VCV001040357.10), dbSNP rs1554840836, ClinGen allele CA377886432.